The following is an entry in ClinVar:

ClinVar aggregate classification (germline): Uncertain significance (1 of 4 stars; one submission).

Allele frequency attached by ClinVar (database versions not stated): gnomAD exomes below 0.00001; ExAC 0.00001.
gnomAD v4.1: 1 of 1,612,998 alleles (0.000062%); highest among the groups gnomAD compares: South Asian, 0.0011%; no homozygotes.

Submission:

GeneDx
Classification: Uncertain significance. Last evaluated: 2020-02-24. Review status: criteria provided, single submitter. Criteria: GeneDx Variant Classification Process June 2021. Collection method: clinical testing. Allele origin: germline. Affected: yes.
Comment: Not observed at a significant frequency in large population cohorts (Lek et al., 2016); In silico analysis supports that this missense variant does not alter protein structure/function; Has not been previously published as pathogenic or benign to our knowledge

NM_001384125.1(BLTP1):c.13150A>G (p.Thr4384Ala)

Gene: BLTP1 (bridge-like lipid transfer protein family member 1; plus strand). Cytogenetic location: 4q27.
Variant type: single nucleotide variant.
Coding change: c.13150A>G on transcript NM_001384125.1 (MANE Select); coding-DNA position 13150, A replaced by G.
Protein change: p.Thr4384Ala; replaces threonine 4384 with alanine.
Molecular consequence: missense variant.
Genome position (GRCh38, 1-based): chr4:122,347,536, A>G. VCF-style: chr4-122347536-A-G. GRCh37 (hg19) VCF-style: chr4-123268691-A-G.
Other names: c.12886A>G, p.Thr4296Ala (NM_015312.4); short protein forms T4296A, T4384A.
Identifiers: ClinVar variation 1315471 (VCV001315471.2), dbSNP rs761146461, ClinGen allele CA3068108.